The following is an entry in ClinVar:

NM_001267550.2(TTN):c.9359G>A (p.Arg3120Gln)

Gene: TTN (titin; minus strand). Cytogenetic location: 2q31.2.
Variant type: single nucleotide variant.
Coding change: c.9359G>A on transcript NM_001267550.2 (MANE Select); coding-DNA position 9359, G replaced by A.
Protein change: p.Arg3120Gln; replaces arginine 3120 with glutamine.
Molecular consequence: missense variant.
Genome position (GRCh38, 1-based): chr2:178,767,871, C>T on the plus strand (G>A on the coding strand, the complement: TTN is on the minus strand). VCF-style: chr2-178767871-C-T. GRCh37 (hg19) VCF-style: chr2-179632598-C-T.
Other names: p.R3120Q:CGG>CAG; c.9359G>A, p.Arg3120Gln (NM_001256850.1, NM_133378.4, NM_133379.5); c.9359G>A (NM_001267550.1); c.9221G>A, p.Arg3074Gln (NM_003319.4, NM_133432.3, NM_133437.4); short protein forms R3120Q, R3074Q.
Identifiers: ClinVar variation 47636 (VCV000047636.119), dbSNP rs72647894, ClinGen allele CA141561.

ClinVar aggregate classification (germline): Conflicting classifications of pathogenicity. Review status: criteria provided, conflicting classifications (1 of 4 stars). 22 submissions from 18 submitters: Uncertain significance (5); Benign (10); Likely benign (6). 1 of the submissions does not count toward it. Last evaluated 2026-09-01.

Conditions:
Dilated cardiomyopathy 1G (CMD1G). Identifiers: Orphanet 154, MedGen C1858763, MONDO:0011400, OMIM 604145.
Autosomal recessive limb-girdle muscular dystrophy type 2J (LGMDR10). Also called: MUSCULAR DYSTROPHY, LIMB-GIRDLE, AUTOSOMAL RECESSIVE 10; Limb-girdle muscular dystrophy, type 2J. Identifiers: Orphanet 140922, MedGen C1837342, MONDO:0012127, OMIM 608807.
TTN-related disorder. Also called: TTN-related disorders; TTN-related condition; TTN-related disease.
Cardiovascular phenotype. Identifiers: MedGen CN230736.
Atrial fibrillation. Identifiers: MedGen C0004238, MONDO:0004981, HP:0005110.
Cardiomyopathy (CMYO). Also called: Cardiomyopathies. Identifiers: Orphanet 167848, MedGen C0878544, MONDO:0004994, HP:0001638. Inheritance: Various modes of inheritance.
Early-onset myopathy with fatal cardiomyopathy (CMYO5). Also called: CONGENITAL MYOPATHY 5 WITH CARDIOMYOPATHY; Salih Myopathy. Identifiers: Orphanet 289377, MedGen C2673677, MONDO:0012714, OMIM 611705. Disease mechanism: loss of function.
Myopathy, myofibrillar, 9, with early respiratory failure (MFM9). Also called: Myopathy, distal, with early respiratory failure, autosomal dominant; Hereditary myopathy with early respiratory failure; MYOPATHY, PROXIMAL, WITH EARLY RESPIRATORY MUSCLE INVOLVEMENT; EDSTROM MYOPATHY. Identifiers: Orphanet 178464, Orphanet 34521, MedGen C1863599, MONDO:0011362, OMIM 603689.
Tibial muscular dystrophy (TMD). Also called: Udd Distal Myopathy – Tibial Muscular Dystrophy; Tibial muscular dystrophy, tardive; UDD MYOPATHY. Identifiers: Orphanet 609, MedGen C1838244, MONDO:0010870, OMIM 600334.

Allele frequency attached by ClinVar (database versions not stated): gnomAD 0.00397 and 0.00404; 1000 Genomes Project 0.00160; ESP Exome Variant Server 0.00323; ExAC 0.00440; gnomAD exomes 0.00410; 1000 Genomes Project 30x 0.00203; TOPMed 0.00244.
gnomAD v4.1: 6,066 of 1,614,072 alleles (0.38%); highest among the groups gnomAD compares: South Asian, 0.41%; 21 homozygotes.

Submissions (23):

CeGaT Center for Human Genetics Tuebingen
Classification: Likely benign. Last evaluated: 2026-09-01. Review status: criteria provided, single submitter. Criteria: CeGaT Center For Human Genetics Tuebingen Variant Classification Criteria Version 2. Collection method: clinical testing. Allele origin: germline. Affected: yes. Observed: 66 variant alleles.
Comment: TTN: BP4, BS2

Labcorp Genetics (formerly Invitae), Labcorp
Classification: Benign for Dilated cardiomyopathy 1G; Autosomal recessive limb-girdle muscular dystrophy type 2J. Last evaluated: 2026-02-03. Review status: criteria provided, single submitter. Criteria: Invitae Variant Classification Sherloc (09022015). Collection method: clinical testing. Allele origin: germline.

Women's Health and Genetics/Laboratory Corporation of America, LabCorp
Classification: Benign. Last evaluated: 2026-01-12. Review status: criteria provided, single submitter. Criteria: LabCorp Variant Classification Summary - May 2015. Collection method: clinical testing. Allele origin: germline.
Comment: Variant summary: TTN c.9359G>A (p.Arg3120Gln) results in a conservative amino acid change in the encoded protein sequence. Algorithms developed to predict the effect of missense changes on protein structure and function are either unavailable or do not agree on the potential impact of this missense change. The variant allele was found at a frequency of 0.0041 in 251022 control chromosomes in the gnomAD database, including 3 homozygotes. The observed variant frequency exceeds the estimated maximal expected allele frequency for disease-causing variants in TTN. To our knowledge, no occurrence of c.9359G>A in individuals affected with TTN-related conditions and no experimental evidence demonstrating its impact on protein function have been reported. ClinVar contains an entry for this variant (Variation ID: 47636). Based on the evidence outlined above, the variant was classified as benign.

Mayo Clinic Laboratories, Mayo Clinic
Classification: Benign. Last evaluated: 2025-10-06. Review status: criteria provided, single submitter. Criteria: ACMG Guidelines, 2015. Collection method: clinical testing. Allele origin: germline. Observed: 20 variant alleles.

ARUP Laboratories, Molecular Genetics and Genomics, ARUP Laboratories
Classification: Likely benign. Last evaluated: 2025-06-05. Review status: criteria provided, single submitter. Criteria: ARUP Molecular Germline Variant Investigation Process 2024. Collection method: clinical testing. Allele origin: germline.

Molecular Diagnostic Laboratory for Inherited Cardiovascular Disease, Montreal Heart Institute
Classification: Likely benign. Last evaluated: 2025-04-09. Review status: criteria provided, single submitter. Criteria: ACMG Guidelines, 2015. Collection method: clinical testing. Allele origin: germline. Affected: no.

Blueprint Genetics
Classification: Likely benign. Last evaluated: 2024-11-22. Review status: criteria provided, single submitter. Criteria: ACMG Guidelines, 2015. Collection method: clinical testing. Allele origin: germline.

Athena Diagnostics
Classification: Benign. Last evaluated: 2021-02-08. Review status: criteria provided, single submitter. Criteria: Athena Diagnostics criteria. Collection method: clinical testing. Allele origin: unknown.

CHEO Genetics Diagnostic Laboratory, Children's Hospital of Eastern Ontario
Classification: Benign for Cardiomyopathy. Last evaluated: 2018-04-12. Review status: criteria provided, single submitter. Criteria: ACMG Guidelines, 2015. Collection method: clinical testing. Allele origin: germline.

Illumina Laboratory Services, Illumina
Classification: Uncertain significance for Autosomal recessive limb-girdle muscular dystrophy type 2J. Last evaluated: 2018-01-13. Review status: criteria provided, single submitter. Criteria: ICSL Variant Classification Criteria 13 December 2019. Collection method: clinical testing. Allele origin: germline.

Illumina Laboratory Services, Illumina
Classification: Uncertain significance for Dilated cardiomyopathy 1G. Last evaluated: 2018-01-13. Review status: criteria provided, single submitter. Criteria: ICSL Variant Classification Criteria 13 December 2019. Collection method: clinical testing. Allele origin: germline.

Illumina Laboratory Services, Illumina
Classification: Uncertain significance for Early-onset myopathy with fatal cardiomyopathy. Last evaluated: 2018-01-13. Review status: criteria provided, single submitter. Criteria: ICSL Variant Classification Criteria 13 December 2019. Collection method: clinical testing. Allele origin: germline.

Illumina Laboratory Services, Illumina
Classification: Benign for Myopathy, myofibrillar, 9, with early respiratory failure. Last evaluated: 2018-01-13. Review status: criteria provided, single submitter. Criteria: ICSL Variant Classification Criteria 13 December 2019. Collection method: clinical testing. Allele origin: germline.
Comment: This variant was observed in the ICSL laboratory as part of a predisposition screen in an ostensibly healthy population. It had not been previously curated by ICSL or reported in the Human Gene Mutation Database (HGMD: prior to June 1st, 2018), and was therefore a candidate for classification through an automated scoring system. Utilizing variant allele frequency, disease prevalence and penetrance estimates, and inheritance mode, an automated score was calculated to assess if this variant is too frequent to cause the disease. Based on the score and internal cut-off values, a variant classified as benign is not then subjected to further curation. The score for this variant resulted in a classification of benign for this disease.

Illumina Laboratory Services, Illumina
Classification: Benign for Tibial muscular dystrophy. Last evaluated: 2018-01-13. Review status: criteria provided, single submitter. Criteria: ICSL Variant Classification Criteria 13 December 2019. Collection method: clinical testing. Allele origin: germline.
Comment: the same text as in the submission from Illumina Laboratory Services, Illumina above.

Center for Advanced Laboratory Medicine, UC San Diego Health, University of California San Diego
Classification: Benign for Atrial fibrillation. Last evaluated: 2017-03-15. Review status: criteria provided, single submitter. Criteria: ACMG Guidelines, 2015. Collection method: clinical testing. Allele origin: germline. Affected: yes. Observed: 2 variant alleles.

GeneDx
Classification: Benign. Last evaluated: 2016-08-23. Review status: criteria provided, single submitter. Criteria: GeneDx Variant Classification (06012015). Collection method: clinical testing. Allele origin: germline. Affected: yes.
Comment: This variant is considered likely benign or benign based on one or more of the following criteria: it is a conservative change, it occurs at a poorly conserved position in the protein, it is predicted to be benign by multiple in silico algorithms, and/or has population frequency not consistent with disease.

Eurofins Ntd Llc (ga)
Classification: Likely benign. Last evaluated: 2015-07-02. Review status: criteria provided, single submitter. Criteria: EGL Classification Definitions 2015. Collection method: clinical testing. Allele origin: germline. Observed: 1 variant allele, 1 heterozygote.

Laboratory for Molecular Medicine, Mass General Brigham Personalized Medicine
Classification: Benign. Last evaluated: 2015-02-10. Review status: criteria provided, single submitter. Criteria: LMM Criteria. Collection method: clinical testing. Allele origin: germline. Observed: 10 variant alleles.
Comment: p.Arg3120Gln in exon 40 of TTN: This variant is not expected to have clinical si gnificance because it has been identified in 1.2% (77/6606) of Finnish chromosom es by the Exome Aggregation Consortium (ExAC; db SNP rs72647894).

Genetic Services Laboratory, University of Chicago
Classification: Uncertain significance. Last evaluated: 2014-06-03. Review status: criteria provided, single submitter. Criteria: ACMG Guidelines, 2015. Collection method: clinical testing. Allele origin: germline.

Biesecker Lab/Clinical Genomics Section, National Institutes of Health
Classification: Likely benign. Last evaluated: 2013-06-24. Review status: criteria provided, single submitter. Criteria: Ng et al. (Circ Cardiovasc Genet. 2013). Collection method: research. Allele origin: unknown. Observed: 8 variant alleles. Study: ClinSeq.
Comment: The study set was not selected for affection status in relation to any cancer. Pathogenicity categories were based on literature curation. See Pubmed ID:23861362 for details.

Medical sequencing

Ambry Genetics
Classification: Uncertain significance for Cardiovascular phenotype. Last evaluated: 2012-12-13. Review status: criteria provided, single submitter. Criteria: Ambry Autosomal Dominant and X-Linked criteria (10/2015). Collection method: clinical testing. Allele origin: germline. Observed: 1 variant allele.
Comment: There is insufficient or conflicting evidence for classification of this alteration.

PreventionGenetics, part of Exact Sciences
Classification: Likely benign for TTN-related condition. Last evaluated: 2020-03-13. Review status: no assertion criteria provided. Collection method: clinical testing. Allele origin: germline. Not counted in ClinVar's aggregate classification.
Comment: This variant is classified as likely benign based on ACMG/AMP sequence variant interpretation guidelines (Richards et al. 2015 PMID: 25741868, with internal and published modifications).

Dr. Peter K. Rogan Lab, Western University
No classification provided (evidence only). Condition: Clear cell carcinoma of kidney. Review status: no classification provided. Collection method: in vitro. Allele origin: not applicable. Functional consequence: retained intron. Not counted in ClinVar's aggregate classification.

Literature cited by the submitters: PubMed 25626705 (cited by Athena Diagnostics); PubMed 26773040 (cited by Athena Diagnostics); PubMed 25979592 (cited by Athena Diagnostics); PubMed 24459294 (cited by Athena Diagnostics); PubMed 20890277 (cited by Laboratory for Molecular Medicine, Mass General Brigham Personalized Medicine).